The following is an entry in ClinVar:

ClinVar aggregate classification (germline): Pathogenic/Likely pathogenic. Review status: criteria provided, multiple submitters, no conflicts (2 of 4 stars). 5 submissions from 5 submitters: Pathogenic (1); Likely pathogenic (4). Last evaluated 2025-08-01.

Conditions:
Factor VII deficiency. Also called: F7 DEFICIENCY; HYPOPROCONVERTINEMIA; Factor 7 deficiency. Identifiers: MedGen C0015503, MeSH D005168, MONDO:0002244.
Congenital factor VII deficiency. Identifiers: Orphanet 327, MedGen C0272320, MONDO:0009211, OMIM 227500.

Allele frequency attached by ClinVar (database versions not stated): gnomAD 0.00001; gnomAD exomes 0.00001.
gnomAD v4.1: 10 of 1,614,074 alleles (0.00062%); highest among the groups gnomAD compares: East Asian, 0.016%; no homozygotes.

Submissions (5):

First Genomix Gene Laboratory, Genetic Diagnostics Department
Classification: Likely pathogenic for Congenital factor VII deficiency. Last evaluated: 2025-08-01. Review status: criteria provided, single submitter. Criteria: ACMG Guidelines, 2015. Collection method: clinical testing. Allele origin: germline. Inheritance: Autosomal recessive inheritance. Affected: no. Observed: 1 variant allele.

Mayo Clinic Laboratories, Mayo Clinic
Classification: Pathogenic. Last evaluated: 2024-05-03. Review status: criteria provided, single submitter. Criteria: ACMG Guidelines, 2015. Collection method: clinical testing. Allele origin: germline. Observed: 3 variant alleles.
Comment: PM1, PM2_moderate, PM3_strong, PS4_moderate

Women's Health and Genetics/Laboratory Corporation of America, LabCorp
Classification: Likely pathogenic for Congenital factor VII deficiency. Last evaluated: 2023-08-28. Review status: criteria provided, single submitter. Criteria: LabCorp Variant Classification Summary - May 2015. Collection method: clinical testing. Allele origin: germline.
Comment: Variant summary: F7 c.722C>A (p.Thr241Asn) results in a non-conservative amino acid change located in the Serine proteases, trypsin domain (IPR001254) of the encoded protein sequence. Three of five in-silico tools predict a damaging effect of the variant on protein function. The variant allele was found at a frequency of 1.2e-05 in 251290 control chromosomes (gnomAD). c.722C>A has been reported in the literature in individuals affected with Congenital factor VII deficiency (Millar_2000, Downes_2019, Liang_2021, Wang_2022). These data indicate that the variant is likely to be associated with disease. To our knowledge, no experimental evidence demonstrating an impact on protein function has been reported. The following publications have been ascertained in the context of this evaluation (PMID: 31064749, 33587484, 11129332, 35867939). One submitter has cited clinical-significance assessments for this variant to ClinVar after 2014 and has classified the variant as likely pathogenic. Based on the evidence outlined above, the variant was classified as likely pathogenic.

NIHR Bioresource Rare Diseases, University of Cambridge
Classification: Likely pathogenic for Congenital factor VII deficiency. Last evaluated: 2019-02-01. Review status: criteria provided, single submitter. Criteria: ACMG Guidelines, 2015. Collection method: research. Allele origin: unknown. Affected: yes. Observed: 1 heterozygote, 1 compound heterozygote. Study: ThromboGenomics.

Juno Genomics, Hangzhou Juno Genomics, Inc
Classification: Likely pathogenic for Congenital factor VII deficiency. Review status: criteria provided, single submitter. Criteria: ACMG Guidelines, 2015. Collection method: clinical testing. Allele origin: germline. Affected: yes.
Comment: Absent from controls (or at extremely low frequency if recessive) in Genome Aggregation Database, Exome Sequencing Project, 1000 Genomes Project, or Exome Aggregation Consortium.;For recessive disorders, detected in trans with a pathogenic variant.;Patient's phenotype or family history is highly specific for a disease with a single genetic etiology.

Literature cited by the submitters: PubMed 11129332 (cited by Mayo Clinic Laboratories, Mayo Clinic and Women's Health and Genetics/Laboratory Corporation of America, LabCorp); PubMed 16620721 (cited by Mayo Clinic Laboratories, Mayo Clinic); PubMed 33587484 (cited by Mayo Clinic Laboratories, Mayo Clinic and Women's Health and Genetics/Laboratory Corporation of America, LabCorp); PubMed 34368331 (cited by Mayo Clinic Laboratories, Mayo Clinic); PubMed 35867939 (cited by Mayo Clinic Laboratories, Mayo Clinic and Women's Health and Genetics/Laboratory Corporation of America, LabCorp); PubMed 31064749 (cited by Women's Health and Genetics/Laboratory Corporation of America, LabCorp and NIHR Bioresource Rare Diseases, University of Cambridge).

NM_019616.4(F7):c.656C>A (p.Thr219Asn)

Gene: F7 (coagulation factor VII; plus strand). Cytogenetic location: 13q34.
Variant type: single nucleotide variant.
Coding change: c.656C>A on transcript NM_019616.4 (MANE Select); coding-DNA position 656, C replaced by A.
Protein change: p.Thr219Asn; replaces threonine 219 with asparagine.
Molecular consequence: missense variant. On other transcripts: non-coding transcript variant (1).
Genome position (GRCh38, 1-based): chr13:113,117,513, C>A. VCF-style: chr13-113117513-C-A. GRCh37 (hg19) VCF-style: chr13-113771827-C-A.
Other names: p.Thr241Asn; c.722C>A, p.Thr241Asn (NM_000131.5); c.470C>A, p.Thr157Asn (NM_001267554.2); short protein forms T219N, T241N, T157N.
Identifiers: ClinVar variation 626937 (VCV000626937.7), dbSNP rs1160146175, ClinGen allele CA388785274.
Genomic context (GRCh38, chr13:113,117,513, plus strand): 5'-CCTCCTGTCCCCCCGCCCAGGTCCTGTTGTTGGTGAATGGAGCTCAGTTGTGTGGGGGGA[C>A]CCTGATCAACACCATCTGGGTGGTCTCCGCGGCCCACTGTTTCGACAAAATCAAGAACTG-3'
Protein context (NP_062562.1, residues 209-229): LVNGAQLCGG[Thr219Asn]LINTIWVVSA